The following is an entry in ClinVar:

ClinVar aggregate classification (germline): Uncertain significance. Review status: criteria provided, multiple submitters, no conflicts (2 of 4 stars). 2 submissions from 2 submitters: Uncertain significance (2). Last evaluated 2025-06-24.

Conditions:
Inborn genetic diseases. Identifiers: MedGen C0950123, MeSH D030342.

gnomAD v4.1: 13 of 1,569,612 alleles (0.00083%); highest among the groups gnomAD compares: Non-Finnish European, 0.001%; no homozygotes.

Submissions (2):

Ambry Genetics
Classification: Uncertain significance for Inborn genetic diseases. Last evaluated: 2025-06-24. Review status: criteria provided, single submitter. Criteria: Ambry Variant Classification Scheme 2023. Collection method: clinical testing. Allele origin: germline.

Labcorp Genetics (formerly Invitae), Labcorp
Classification: Uncertain significance. Last evaluated: 2022-05-25. Review status: criteria provided, single submitter. Criteria: Invitae Variant Classification Sherloc (09022015). Collection method: clinical testing. Allele origin: germline.
Comment: This sequence change replaces arginine, which is basic and polar, with cysteine, which is neutral and slightly polar, at codon 120 of the CYP27B1 protein (p.Arg120Cys). This variant is not present in population databases (gnomAD no frequency). This variant has not been reported in the literature in individuals affected with CYP27B1-related conditions. Algorithms developed to predict the effect of missense changes on protein structure and function output the following: SIFT: "Tolerated"; PolyPhen-2: "Benign"; Align-GVGD: "Class C0". The cysteine amino acid residue is found in multiple mammalian species, which suggests that this missense change does not adversely affect protein function. In summary, the available evidence is currently insufficient to determine the role of this variant in disease. Therefore, it has been classified as a Variant of Uncertain Significance.

NM_000785.4(CYP27B1):c.358C>T (p.Arg120Cys)

Gene: CYP27B1 (cytochrome P450 family 27 subfamily B member 1; minus strand). Cytogenetic location: 12q14.1.
Variant type: single nucleotide variant.
Coding change: c.358C>T on transcript NM_000785.4 (MANE Select); coding-DNA position 358, C replaced by T.
Protein change: p.Arg120Cys; replaces arginine 120 with cysteine.
Molecular consequence: missense variant.
Genome position (GRCh38, 1-based): chr12:57,766,035, G>A on the plus strand (C>T on the coding strand, the complement: CYP27B1 is on the minus strand). VCF-style: chr12-57766035-G-A. GRCh37 (hg19) VCF-style: chr12-58159818-G-A.
Other names: c.358C>T (NM_000785.3); short protein forms R120C.
Identifiers: ClinVar variation 1950321 (VCV001950321.3), dbSNP rs763451961, ClinGen allele CA6658487.